The following is an entry in ClinVar:

NM_017999.5(RNF31):c.620C>T (p.Pro207Leu)

Gene: RNF31 (ring finger protein 31; plus strand). Cytogenetic location: 14q12.
Variant type: single nucleotide variant.
Coding change: c.620C>T on transcript NM_017999.5 (MANE Select); coding-DNA position 620, C replaced by T.
Protein change: p.Pro207Leu; replaces proline 207 with leucine.
Molecular consequence: missense variant.
Genome position (GRCh38, 1-based): chr14:24,148,865, C>T. VCF-style: chr14-24148865-C-T. GRCh37 (hg19) VCF-style: chr14-24618074-C-T.
Other names: c.167C>T, p.Pro56Leu (NM_001310332.2); c.620C>T (NM_017999.4); short protein forms P56L, P207L.
Identifiers: ClinVar variation 1466602 (VCV001466602.7), dbSNP rs763692830, ClinGen allele CA7125572.

ClinVar aggregate classification (germline): Uncertain significance. Review status: criteria provided, multiple submitters, no conflicts (2 of 4 stars). 2 submissions from 2 submitters: Uncertain significance (2). Last evaluated 2024-12-16.

Allele frequency attached by ClinVar (database versions not stated): TOPMed 0.00002; gnomAD 0.00003.
gnomAD v4.1: 99 of 1,613,898 alleles (0.0061%); highest among the groups gnomAD compares: South Asian, 0.045%; 3 homozygotes.

Submissions (2):

Labcorp Genetics (formerly Invitae), Labcorp
Classification: Uncertain significance. Last evaluated: 2024-12-16. Review status: criteria provided, single submitter. Criteria: Invitae Variant Classification Sherloc (09022015). Collection method: clinical testing. Allele origin: germline.
Comment: This sequence change replaces proline, which is neutral and non-polar, with leucine, which is neutral and non-polar, at codon 207 of the RNF31 protein (p.Pro207Leu). This variant is present in population databases (rs763692830, gnomAD 0.04%). This variant has not been reported in the literature in individuals affected with RNF31-related conditions. ClinVar contains an entry for this variant (Variation ID: 1466602). An algorithm developed to predict the effect of missense changes on protein structure and function (PolyPhen-2) suggests that this variant is likely to be tolerated. In summary, the available evidence is currently insufficient to determine the role of this variant in disease. Therefore, it has been classified as a Variant of Uncertain Significance.

Ambry Genetics
Classification: Uncertain significance. Last evaluated: 2023-09-29. Review status: criteria provided, single submitter. Criteria: Ambry Variant Classification Scheme 2023. Collection method: clinical testing. Allele origin: germline.